The following is an entry in ClinVar:

ClinVar aggregate classification (germline): Uncertain significance. Review status: criteria provided, multiple submitters, no conflicts (2 of 4 stars). 2 submissions from 2 submitters: Uncertain significance (2). Last evaluated 2025-08-08.

Allele frequency attached by ClinVar (database versions not stated): gnomAD exomes below 0.00001; TOPMed below 0.00001; ExAC 0.00001.
gnomAD v4.1: 3 of 1,614,016 alleles (0.00019%); highest among the groups gnomAD compares: Admixed American, 0.0033%; no homozygotes.

Submissions (2):

Ambry Genetics
Classification: Uncertain significance. Last evaluated: 2025-08-08. Review status: criteria provided, single submitter. Criteria: Ambry Variant Classification Scheme 2023. Collection method: clinical testing. Allele origin: germline.
Comment: The p.K532R variant (also known as c.1595A>G), located in coding exon 16 of the SRP72 gene, results from an A to G substitution at nucleotide position 1595. The lysine at codon 532 is replaced by arginine, an amino acid with highly similar properties. This amino acid position is conserved. In addition, the in silico prediction for this alteration is inconclusive. Based on the available evidence, the clinical significance of this variant remains unclear.

Labcorp Genetics (formerly Invitae), Labcorp
Classification: Uncertain significance. Last evaluated: 2025-03-18. Review status: criteria provided, single submitter. Criteria: Invitae Variant Classification Sherloc (09022015). Collection method: clinical testing. Allele origin: germline.
Comment: This sequence change replaces lysine, which is basic and polar, with arginine, which is basic and polar, at codon 532 of the SRP72 protein (p.Lys532Arg). This variant is present in population databases (rs777563434, gnomAD 0.006%). This variant has not been reported in the literature in individuals affected with SRP72-related conditions. ClinVar contains an entry for this variant (Variation ID: 2012210). Invitae Evidence Modeling of protein sequence and biophysical properties (such as structural, functional, and spatial information, amino acid conservation, physicochemical variation, residue mobility, and thermodynamic stability) indicates that this missense variant is not expected to disrupt SRP72 protein function with a negative predictive value of 80%. Algorithms developed to predict the effect of sequence changes on RNA splicing suggest that this variant may disrupt the consensus splice site. In summary, the available evidence is currently insufficient to determine the role of this variant in disease. Therefore, it has been classified as a Variant of Uncertain Significance.

NM_006947.4(SRP72):c.1595A>G (p.Lys532Arg)

Gene: SRP72 (signal recognition particle 72; plus strand). Cytogenetic location: 4q12.
Variant type: single nucleotide variant.
Coding change: c.1595A>G on transcript NM_006947.4 (MANE Select); coding-DNA position 1595, A replaced by G.
Protein change: p.Lys532Arg; replaces lysine 532 with arginine.
Molecular consequence: missense variant. On other transcripts: non-coding transcript variant (1).
Genome position (GRCh38, 1-based): chr4:56,491,523, A>G. VCF-style: chr4-56491523-A-G. GRCh37 (hg19) VCF-style: chr4-57357689-A-G.
Other names: c.1595A>G (NM_006947.3); c.1412A>G, p.Lys471Arg (NM_001267722.2); short protein forms K471R, K532R.
Identifiers: ClinVar variation 2012210 (VCV002012210.5), dbSNP rs777563434, ClinGen allele CA2931412.